The following is an entry in ClinVar:

ClinVar aggregate classification (germline): Uncertain significance (1 of 4 stars; one submission).

gnomAD v4.1: 3 of 1,458,782 alleles (0.00021%); highest among the groups gnomAD compares: South Asian, 0.0014%; no homozygotes.

Submission:

Ambry Genetics
Classification: Uncertain significance. Last evaluated: 2025-12-11. Review status: criteria provided, single submitter. Criteria: Ambry Variant Classification Scheme 2023. Collection method: clinical testing. Allele origin: germline.
Comment: The p.G178R variant (also known as c.532G>C), located in coding exon 3 of the GFI1 gene, results from a G to C substitution at nucleotide position 532. The glycine at codon 178 is replaced by arginine, an amino acid with dissimilar properties. This amino acid position is conserved. In addition, this alteration is predicted to be tolerated by in silico analysis. Based on the available evidence, the clinical significance of this variant remains unclear.

NM_005263.5(GFI1):c.532G>C (p.Gly178Arg)

Gene: GFI1 (growth factor independent 1 transcriptional repressor; minus strand). Cytogenetic location: 1p22.1.
Variant type: single nucleotide variant.
Coding change: c.532G>C on transcript NM_005263.5 (MANE Select); coding-DNA position 532, G replaced by C.
Protein change: p.Gly178Arg; replaces glycine 178 with arginine.
Molecular consequence: missense variant.
Genome position (GRCh38, 1-based): chr1:92,480,855, C>G on the plus strand (G>C on the coding strand, the complement: GFI1 is on the minus strand). VCF-style: chr1-92480855-C-G. GRCh37 (hg19) VCF-style: chr1-92946412-C-G.
Other names: c.532G>C, p.Gly178Arg (NM_001127215.3, NM_001127216.3); short protein forms G178R.
Identifiers: ClinVar variation 4671611 (VCV004671611.1).